The following is an entry in ClinVar:

NM_021098.3(CACNA1H):c.3008A>G (p.Asn1003Ser)

Gene: CACNA1H (calcium voltage-gated channel subunit alpha1 H; plus strand). Cytogenetic location: 16p13.3.
Variant type: single nucleotide variant.
Coding change: c.3008A>G on transcript NM_021098.3 (MANE Select); coding-DNA position 3008, A replaced by G.
Protein change: p.Asn1003Ser; replaces asparagine 1003 with serine.
Molecular consequence: missense variant.
Genome position (GRCh38, 1-based): chr16:1,207,375, A>G. VCF-style: chr16-1207375-A-G. GRCh37 (hg19) VCF-style: chr16-1257375-A-G.
Other names: c.3008A>G, p.Asn1003Ser (NM_001005407.2); short protein forms N1003S.
Identifiers: ClinVar variation 3578325 (VCV003578325.3).

ClinVar aggregate classification (germline): Uncertain significance. Review status: criteria provided, multiple submitters, no conflicts (2 of 4 stars). 2 submissions from 2 submitters: Uncertain significance (2). Last evaluated 2024-03-06.

Conditions:
Idiopathic generalized epilepsy. Also called: Generalised epilepsy; EIG. Identifiers: MedGen C0270850, MONDO:0005579, OMIM 600669.
Hyperaldosteronism, familial, type IV (HALD4). Also called: FH IV; ALDOSTERONISM, PRIMARY, AND HYPERTENSION. Identifiers: Orphanet 642671, MedGen C4310756, MONDO:0014875, OMIM 617027.
Epilepsy, childhood absence, susceptibility to, 6. Identifiers: Orphanet 64280, MedGen C2749872, MONDO:0012763, OMIM 611942.

Submissions (2):

Fulgent Genetics
Classification: Uncertain significance for Epilepsy, childhood absence, susceptibility to, 6; Hyperaldosteronism, familial, type IV. Last evaluated: 2024-03-06. Review status: criteria provided, single submitter. Criteria: ACMG Guidelines, 2015. Collection method: clinical testing. Allele origin: germline.

Labcorp Genetics (formerly Invitae), Labcorp
Classification: Uncertain significance for Idiopathic generalized epilepsy; Hyperaldosteronism, familial, type IV. Last evaluated: 2024-02-07. Review status: criteria provided, single submitter. Criteria: Invitae Variant Classification Sherloc (09022015). Collection method: clinical testing. Allele origin: germline.
Comment: This sequence change replaces asparagine, which is neutral and polar, with serine, which is neutral and polar, at codon 1003 of the CACNA1H protein (p.Asn1003Ser). This variant is present in population databases (rs749904034, gnomAD 0.007%). This variant has not been reported in the literature in individuals affected with CACNA1H-related conditions. Advanced modeling of protein sequence and biophysical properties (such as structural, functional, and spatial information, amino acid conservation, physicochemical variation, residue mobility, and thermodynamic stability) performed at Invitae indicates that this missense variant is expected to disrupt CACNA1H protein function with a positive predictive value of 80%. In summary, the available evidence is currently insufficient to determine the role of this variant in disease. Therefore, it has been classified as a Variant of Uncertain Significance.